The following is an entry in ClinVar:

NM_019098.5(CNGB3):c.1774dup (p.Glu592fs)

Gene: CNGB3 (cyclic nucleotide gated channel subunit beta 3; minus strand). Cytogenetic location: 8q21.3.
Variant type: Duplication.
Coding change: c.1774dup on transcript NM_019098.5 (MANE Select); coding-DNA position 1774, one base duplicated (G; older notation c.1774dupG).
Protein change: p.Glu592fs; shifts the reading frame from glutamic acid 592.
Molecular consequence: frameshift variant.
Genome position (GRCh38, 1-based): chr8:86,604,100, C duplicated on the plus strand (G on the coding strand, the reverse complement: CNGB3 is on the minus strand). VCF-style (leftmost placement, unchanged base first): chr8-86604099-T-TC. GRCh37 (hg19) VCF-style: chr8-87616327-T-TC.
Other names: c.1774dupG (NM_019098.4); short protein forms E592fs.
Identifiers: ClinVar variation 557186 (VCV000557186.7), dbSNP rs1554607548, ClinGen allele CA658822338.
Genomic context (GRCh38, chr8:86,604,099, plus strand): 5'-TTTCTTTTATGACAAATGATGGACTTCAATATTTATGAAGTATCTTTCAGATACCTGATT[T>TC]CTCCAAACACCGACCCAGCTTTCAGAGTAACCAGAACTTTAGTACCATCAGGGCCTCCAA-3'

ClinVar aggregate classification (germline): Pathogenic. Review status: criteria provided, multiple submitters, no conflicts (2 of 4 stars). 3 submissions from 3 submitters: Pathogenic (2). 1 of the submissions does not count toward it. Last evaluated 2023-08-17.

Conditions:
Achromatopsia 3 (ACHM3). Also called: PINGELAPESE BLINDNESS; TOTAL COLORBLINDNESS WITH MYOPIA; ROD MONOCHROMACY 1; ROD MONOCHROMATISM 1; ACHROMATOPSIA WITH MYOPIA. Identifiers: Orphanet 49382, MedGen C1849792, MONDO:0009875, OMIM 262300.

Allele frequency attached by ClinVar (database versions not stated): gnomAD exomes below 0.00001.

Submissions (3):

Labcorp Genetics (formerly Invitae), Labcorp
Classification: Pathogenic. Last evaluated: 2023-08-17. Review status: criteria provided, single submitter. Criteria: Invitae Variant Classification Sherloc (09022015). Collection method: clinical testing. Allele origin: germline.
Comment: For these reasons, this variant has been classified as Pathogenic. ClinVar contains an entry for this variant (Variation ID: 557186). This premature translational stop signal has been observed in individual(s) with CNGB3-related conditions (PMID: 23776498). This variant is not present in population databases (gnomAD no frequency). This sequence change creates a premature translational stop signal (p.Glu592Glyfs*44) in the CNGB3 gene. It is expected to result in an absent or disrupted protein product. Loss-of-function variants in CNGB3 are known to be pathogenic (PMID: 28795510).

Juno Genomics, Hangzhou Juno Genomics, Inc
Classification: Pathogenic for Achromatopsia 3. Review status: criteria provided, single submitter. Criteria: ACMG Guidelines, 2015. Collection method: clinical testing. Allele origin: germline.
Comment: Absent from controls (or at extremely low frequency if recessive) in Genome Aggregation Database.;Null variant in a gene where loss of function (LOF) is a known mechanism of disease.;For recessive disorders, detected in trans with a pathogenic variant.

Counsyl
Classification: Likely pathogenic for Achromatopsia 3. Last evaluated: 2018-03-12. Review status: no assertion criteria provided. Collection method: clinical testing. Allele origin: unknown. Not counted in ClinVar's aggregate classification.

Literature cited by the submitters: PubMed 23776498 (cited by Labcorp Genetics (formerly Invitae), Labcorp and Counsyl); PubMed 28795510 (cited by Labcorp Genetics (formerly Invitae), Labcorp); PubMed 26992781 (cited by Counsyl).